The following is an entry in ClinVar:

NM_006885.4(ZFHX3):c.10259A>G (p.Lys3420Arg)

Genes: ZFHX3-AS1 (ZFHX3 antisense RNA 1; plus strand), ZFHX3 (zinc finger homeobox 3; minus strand). Cytogenetic location: 16q22.2.
Variant type: single nucleotide variant.
Coding change: c.10259A>G on transcript NM_006885.4 (MANE Select); coding-DNA position 10259, A replaced by G.
Protein change: p.Lys3420Arg; replaces lysine 3420 with arginine.
Molecular consequence: missense variant.
Genome position (GRCh38, 1-based): chr16:72,788,017, T>C on the plus strand (A>G on the coding strand, the complement: ZFHX3 is on the minus strand). VCF-style: chr16-72788017-T-C. GRCh37 (hg19) VCF-style: chr16-72821916-T-C.
Other names: c.10259A>G (NM_006885.3); c.7517A>G, p.Lys2506Arg (NM_001164766.2); short protein forms K2506R, K3420R.
Identifiers: ClinVar variation 808082 (VCV000808082.36), dbSNP rs117523752, ClinGen allele CA8162569.
Genomic context (GRCh38, chr16:72,788,017, plus strand): 5'-TCAGGGAGTTTCGGCAGGAGGGGGGACACCTCACGGGGGGTGTTTTTCTGTTCTTCTGGT[T>C]TGGGGGATTCTTTGGCAGGGTCTTTGTCTGGGGAAGGAGCCCCGGGGGGGACTGGGGTTT-3'
Protein context (NP_008816.3, residues 3410-3430): PDKDPAKESP[Lys3420Arg]PEEQKNTPRE

ClinVar aggregate classification (germline): Likely benign. Review status: criteria provided, single submitter (1 of 4 stars). 2 submissions from 2 submitters: Likely benign (1). 1 of the submissions does not count toward it. Last evaluated 2026-09-01.

Conditions:
ZFHX3-related disorder. Also called: ZFHX3-related condition.

Allele frequency attached by ClinVar (database versions not stated): 1000 Genomes Project 30x 0.00297; 1000 Genomes Project 0.00319; gnomAD 0.00424 and 0.00433; TOPMed 0.00425; ESP Exome Variant Server 0.00462.
gnomAD v4.1: 9,203 of 1,612,410 alleles (0.57%); highest among the groups gnomAD compares: Non-Finnish European, 0.7%; 34 homozygotes.

Submissions (2):

CeGaT Center for Human Genetics Tuebingen
Classification: Likely benign. Last evaluated: 2026-09-01. Review status: criteria provided, single submitter. Criteria: CeGaT Center For Human Genetics Tuebingen Variant Classification Criteria Version 2. Collection method: clinical testing. Allele origin: germline. Affected: yes. Observed: 10 variant alleles.
Comment: ZFHX3: BS2

PreventionGenetics, part of Exact Sciences
Classification: Benign for ZFHX3-related condition. Last evaluated: 2019-07-10. Review status: no assertion criteria provided. Collection method: clinical testing. Allele origin: germline. Not counted in ClinVar's aggregate classification.
Comment: This variant is classified as benign based on ACMG/AMP sequence variant interpretation guidelines (Richards et al. 2015 PMID: 25741868, with internal and published modifications).